The following is an entry in ClinVar:

NM_002857.4(PEX19):c.878G>C (p.Gly293Ala)

Gene: PEX19 (peroxisomal biogenesis factor 19; minus strand). Cytogenetic location: 1q23.2.
Variant type: single nucleotide variant.
Coding change: c.878G>C on transcript NM_002857.4 (MANE Select); coding-DNA position 878, G replaced by C.
Protein change: p.Gly293Ala; replaces glycine 293 with alanine.
Molecular consequence: missense variant. On other transcripts: non-coding transcript variant (2).
Genome position (GRCh38, 1-based): chr1:160,279,573, C>G on the plus strand (G>C on the coding strand, the complement: PEX19 is on the minus strand). VCF-style: chr1-160279573-C-G. GRCh37 (hg19) VCF-style: chr1-160249363-C-G.
Other names: c.826G>C, p.Val276Leu (NM_001193644.1); short protein forms G293A, V276L.
Identifiers: ClinVar variation 597301 (VCV000597301.13), dbSNP rs139875266, ClinGen allele CA1197195.
Genomic context (GRCh38, chr1:160,279,573, plus strand): 5'-CCCATAGCTGGGACTCAGAGAGGAAAACGTGTTGTGTTTCACATGATCAGACACTGTTCA[C>G]CACTGGCACCTGGTGGGCCCGAAAGATTGAGGGCATCCAGGTCAAAGTTGAGGCCAGGAG-3'
Protein context (NP_002848.1, residues 283-299): LNLSGPPGAS[Gly293Ala]EQCLIM

ClinVar aggregate classification (germline): Conflicting classifications of pathogenicity. Review status: criteria provided, conflicting classifications (1 of 4 stars). 6 submissions from 6 submitters: Uncertain significance (5); Likely benign (1). Last evaluated 2026-05-20.

Conditions:
Inborn genetic diseases. Identifiers: MedGen C0950123, MeSH D030342.
Peroxisome biogenesis disorder 12A (Zellweger). Also called: Peroxisome biogenesis disorder 12A. Identifiers: Orphanet 912, MedGen C3554002, MONDO:0013951, OMIM 614886.
PEX19-related disorder. Also called: PEX19-related condition.

Allele frequency attached by ClinVar (database versions not stated): ExAC 0.00016; gnomAD exomes 0.00020 and 0.00031; ESP Exome Variant Server 0.00023; gnomAD 0.00029; TOPMed 0.00029; 1000 Genomes Project 0.00040; 1000 Genomes Project 30x 0.00047.

Submissions (6):

PreventionGenetics, part of Exact Sciences
Classification: Uncertain significance for PEX19-related condition. Last evaluated: 2026-05-20. Review status: criteria provided, single submitter. Criteria: ACMG Guidelines, 2015. Collection method: clinical testing. Allele origin: germline.
Comment: The PEX19 c.878G>C variant is predicted to result in the amino acid substitution p.Gly293Ala. To our knowledge, this variant has not been reported in the literature. This variant is reported in 0.034% of alleles in individuals of Latino descent in gnomAD. At this time, the clinical significance of this variant is uncertain due to the absence of conclusive functional and genetic evidence.

Women's Health and Genetics/Laboratory Corporation of America, LabCorp
Classification: Uncertain significance. Last evaluated: 2025-11-19. Review status: criteria provided, single submitter. Criteria: LabCorp Variant Classification Summary - May 2015. Collection method: clinical testing. Allele origin: germline.
Comment: Variant summary: PEX19 c.878G>C (p.Gly293Ala) results in a non-conservative amino acid change in the encoded protein sequence. Algorithms developed to predict the effect of missense changes on protein structure and function are either unavailable or do not agree on the potential impact of this missense change. The variant allele was found at a frequency of 0.0002 in 251266 control chromosomes. This frequency is not significantly higher than estimated for disease-causing variants in PEX19, allowing no conclusion about variant significance. To our knowledge, no occurrence of c.878G>C in individuals affected with PEX19-related conditions and no experimental evidence demonstrating its impact on protein function have been reported. ClinVar contains an entry for this variant (Variation ID: 597301). Based on the evidence outlined above, the variant was classified as uncertain significance.

Blueprint Genetics
Classification: Likely benign. Last evaluated: 2024-10-24. Review status: criteria provided, single submitter. Criteria: ACMG Guidelines, 2015. Collection method: clinical testing. Allele origin: germline.

Labcorp Genetics (formerly Invitae), Labcorp
Classification: Uncertain significance for Peroxisome biogenesis disorder 12A (Zellweger). Last evaluated: 2022-10-13. Review status: criteria provided, single submitter. Criteria: Invitae Variant Classification Sherloc (09022015). Collection method: clinical testing. Allele origin: germline.
Comment: This sequence change replaces glycine, which is neutral and non-polar, with alanine, which is neutral and non-polar, at codon 293 of the PEX19 protein (p.Gly293Ala). This variant is present in population databases (rs139875266, gnomAD 0.03%). This variant has not been reported in the literature in individuals affected with PEX19-related conditions. ClinVar contains an entry for this variant (Variation ID: 597301). Algorithms developed to predict the effect of missense changes on protein structure and function (SIFT, PolyPhen-2, Align-GVGD) all suggest that this variant is likely to be tolerated. In summary, the available evidence is currently insufficient to determine the role of this variant in disease. Therefore, it has been classified as a Variant of Uncertain Significance.

Ambry Genetics
Classification: Uncertain significance for Inborn genetic diseases. Last evaluated: 2021-03-15. Review status: criteria provided, single submitter. Criteria: Ambry Variant Classification Scheme 2023. Collection method: clinical testing. Allele origin: germline.
Comment: The c.878G>C (p.G293A) alteration is located in exon 8 (coding exon 8) of the PEX19 gene. This alteration results from a G to C substitution at nucleotide position 878, causing the glycine (G) at amino acid position 293 to be replaced by an alanine (A). The p.G293A alteration is predicted to be tolerated by in silico analysis. Based on insufficient or conflicting evidence, the clinical significance of this alteration remains unclear.

Eurofins Ntd Llc (ga)
Classification: Uncertain significance. Last evaluated: 2018-05-24. Review status: criteria provided, single submitter. Criteria: EGL ClinVar v180209 classification definitions. Collection method: clinical testing. Allele origin: germline. Observed: 1 variant allele, 1 heterozygote.